The following is an entry in ClinVar:

ClinVar aggregate classification (germline): Pathogenic. Review status: criteria provided, multiple submitters, no conflicts (2 of 4 stars). 2 submissions from 2 submitters: Pathogenic (2). Last evaluated 2026-10-22.

Conditions:
Intellectual developmental disorder, autosomal dominant 1. Also called: Intellectual disability, autosomal dominant 1; MBD5 Haploinsufficiency. Identifiers: Orphanet 228402, MedGen C1969562, MONDO:0007974, OMIM 156200.

gnomAD v4.1: 4 of 1,613,794 alleles (0.00025%); highest among the groups gnomAD compares: Non-Finnish European, 0.00034%; no homozygotes.

Submissions (2):

GeneDx
Classification: Pathogenic. Last evaluated: 2026-10-22. Review status: criteria provided, single submitter. Criteria: GeneDx Variant Classification Process June 2021. Collection method: clinical testing. Allele origin: germline.
Comment: Nonsense variant predicted to result in protein truncation or nonsense mediated decay in a gene for which loss of function is a known mechanism of disease; Not observed at significant frequency in large population cohorts (gnomAD); Has not been previously reported as pathogenic or benign in an affected individual to our knowledge; This variant is associated with the following publications: (PMID: 31589614)

Labcorp Genetics (formerly Invitae), Labcorp
Classification: Pathogenic for Intellectual developmental disorder, autosomal dominant 1. Last evaluated: 2024-11-19. Review status: criteria provided, single submitter. Criteria: Invitae Variant Classification Sherloc (09022015). Collection method: clinical testing. Allele origin: germline.
Comment: This sequence change creates a premature translational stop signal (p.Arg1207*) in the MBD5 gene. It is expected to result in an absent or disrupted protein product. Loss-of-function variants in MBD5 are known to be pathogenic (PMID: 23422940, 23587880). This variant is not present in population databases (gnomAD no frequency). This variant has not been reported in the literature in individuals affected with MBD5-related conditions. ClinVar contains an entry for this variant (Variation ID: 546027). For these reasons, this variant has been classified as Pathogenic.

Literature cited by the submitters: PubMed 23422940 (cited by Labcorp Genetics (formerly Invitae), Labcorp); PubMed 23587880 (cited by Labcorp Genetics (formerly Invitae), Labcorp).

NM_001378120.1(MBD5):c.4318C>T (p.Arg1440Ter)

Gene: MBD5 (methyl-CpG binding domain protein 5; plus strand). Cytogenetic location: 2q23.1.
Variant type: single nucleotide variant.
Coding change: c.4318C>T on transcript NM_001378120.1 (MANE Select); coding-DNA position 4318, C replaced by T.
Protein change: p.Arg1440Ter; replaces arginine 1440 with a stop codon.
Molecular consequence: nonsense.
Genome position (GRCh38, 1-based): chr2:148,489,950, C>T. VCF-style: chr2-148489950-C-T. GRCh37 (hg19) VCF-style: chr2-149247519-C-T.
Other names: c.3619C>T, p.Arg1207Ter (NM_018328.5); short protein forms R1207*, R1440*.
Identifiers: ClinVar variation 546027 (VCV000546027.7), dbSNP rs978179634, ClinGen allele CA348728736.